The following is an entry in ClinVar:

ClinVar aggregate classification (germline): Uncertain significance. Review status: criteria provided, multiple submitters, no conflicts (2 of 4 stars). 5 submissions from 5 submitters: Uncertain significance (4). 1 of the submissions does not count toward it. Last evaluated 2025-01-17.

Conditions:
CBL-related disorder. Also called: NOONAN SYNDROME-LIKE DISORDER WITHOUT JUVENILE MYELOMONOCYTIC LEUKEMIA; CBL MUTATION-ASSOCIATED SYNDROME; CBL SYNDROME. Identifiers: Orphanet 363972, MedGen C3150803, MONDO:0013308, OMIM 613563.
Cardiovascular phenotype. Identifiers: MedGen CN230736.
RASopathy. Also called: rasopathies; Noonan spectrum disorder. Identifiers: Orphanet 536391, MedGen C5555857, MONDO:0021060.

Allele frequency attached by ClinVar (database versions not stated): gnomAD exomes below 0.00001 and 0.00001; gnomAD 0.00001; ExAC 0.00002; 1000 Genomes Project 0.00020; 1000 Genomes Project 30x 0.00031.
gnomAD v4.1: 2 of 1,614,218 alleles (0.00012%); highest among the groups gnomAD compares: Admixed American, 0.0017%; no homozygotes.

Submissions (5):

Ambry Genetics
Classification: Uncertain significance for Cardiovascular phenotype. Last evaluated: 2025-01-17. Review status: criteria provided, single submitter. Criteria: Ambry Variant Classification Scheme 2023. Collection method: clinical testing. Allele origin: germline.
Comment: The p.R631G variant (also known as c.1891A>G), located in coding exon 11 of the CBL gene, results from an A to G substitution at nucleotide position 1891. The arginine at codon 631 is replaced by glycine, an amino acid with dissimilar properties. This amino acid position is conserved. In addition, the in silico prediction for this alteration is inconclusive. Based on the available evidence, the clinical significance of this variant remains unclear.

Labcorp Genetics (formerly Invitae), Labcorp
Classification: Uncertain significance for RASopathy. Last evaluated: 2024-01-15. Review status: criteria provided, single submitter. Criteria: Invitae Variant Classification Sherloc (09022015). Collection method: clinical testing. Allele origin: germline.
Comment: This sequence change replaces arginine, which is basic and polar, with glycine, which is neutral and non-polar, at codon 631 of the CBL protein (p.Arg631Gly). This variant is present in population databases (rs552590011, gnomAD 0.003%). This variant has not been reported in the literature in individuals affected with CBL-related conditions. ClinVar contains an entry for this variant (Variation ID: 216601). Advanced modeling of protein sequence and biophysical properties (such as structural, functional, and spatial information, amino acid conservation, physicochemical variation, residue mobility, and thermodynamic stability) performed at Invitae indicates that this missense variant is not expected to disrupt CBL protein function with a negative predictive value of 95%. In summary, the available evidence is currently insufficient to determine the role of this variant in disease. Therefore, it has been classified as a Variant of Uncertain Significance.

GeneDx
Classification: Uncertain significance. Last evaluated: 2022-10-10. Review status: criteria provided, single submitter. Criteria: GeneDx Variant Classification Process June 2021. Collection method: clinical testing. Allele origin: germline. Affected: yes.
Comment: In silico analysis supports that this missense variant does not alter protein structure/function; Within the Proline-Rich domain; Has not been previously published as pathogenic or benign to our knowledge; This variant is associated with the following publications: (PMID: 20619386)

Laboratory for Molecular Medicine, Mass General Brigham Personalized Medicine
Classification: Uncertain significance. Last evaluated: 2015-08-28. Review status: criteria provided, single submitter. Criteria: LMM Criteria. Collection method: clinical testing. Allele origin: germline. Observed: 2 variant alleles.
Comment: The p.Arg631Gly variant in CBL has not been previously reported in individuals w ith a RASopathy, but has been identified in 1/66494 European chromosomes and 1/1 1542 Latino chromosomes by the Exome Aggregation Consortium (ExAC; dbSNP rs552590011). Computational prediction tools and conser vation analysis do not provide strong support for or against an impact to the pr otein. In summary, the clinical significance of the p.Arg631Gly variant is uncer tain.

PreventionGenetics, part of Exact Sciences
Classification: Uncertain significance for CBL-related condition. Last evaluated: 2023-12-12. Review status: no assertion criteria provided. Collection method: clinical testing. Allele origin: germline. Not counted in ClinVar's aggregate classification.
Comment: The CBL c.1891A>G variant is predicted to result in the amino acid substitution p.Arg631Gly. To our knowledge, this variant has not been reported in the literature. This variant is reported in 0.0029% of alleles in individuals of Latino descent in gnomAD. At this time, the clinical significance of this variant is uncertain due to the absence of conclusive functional and genetic evidence.

NM_005188.4(CBL):c.1891A>G (p.Arg631Gly)

Gene: CBL (Cbl proto-oncogene; plus strand). Cytogenetic location: 11q23.3.
Variant type: single nucleotide variant.
Coding change: c.1891A>G on transcript NM_005188.4 (MANE Select); coding-DNA position 1891, A replaced by G.
Protein change: p.Arg631Gly; replaces arginine 631 with glycine.
Molecular consequence: missense variant.
Genome position (GRCh38, 1-based): chr11:119,285,516, A>G. VCF-style: chr11-119285516-A-G. GRCh37 (hg19) VCF-style: chr11-119156226-A-G.
Other names: short protein forms R631G.
Identifiers: ClinVar variation 216601 (VCV000216601.15), dbSNP rs552590011, ClinGen allele CA338766.